The following is an entry in ClinVar:

NM_033026.6(PCLO):c.6544C>A (p.Pro2182Thr)

Gene: PCLO (piccolo presynaptic cytomatrix protein; minus strand). Cytogenetic location: 7q21.11.
Variant type: single nucleotide variant.
Coding change: c.6544C>A on transcript NM_033026.6 (MANE Select); coding-DNA position 6544, C replaced by A.
Protein change: p.Pro2182Thr; replaces proline 2182 with threonine.
Molecular consequence: missense variant.
Genome position (GRCh38, 1-based): chr7:82,954,409, G>T on the plus strand (C>A on the coding strand, the complement: PCLO is on the minus strand). VCF-style: chr7-82954409-G-T. GRCh37 (hg19) VCF-style: chr7-82583725-G-T.
Other names: c.6544C>A, p.Pro2182Thr (NM_014510.3); c.6544C>A (NM_033026.5); short protein forms P2182T.
Identifiers: ClinVar variation 1493718 (VCV001493718.6), dbSNP rs763720952, ClinGen allele CA4320446.

ClinVar aggregate classification (germline): Uncertain significance. Review status: criteria provided, multiple submitters, no conflicts (2 of 4 stars). 2 submissions from 2 submitters: Uncertain significance (2). Last evaluated 2024-11-24.

Conditions:
Inborn genetic diseases. Identifiers: MedGen C0950123, MeSH D030342.

Allele frequency attached by ClinVar (database versions not stated): gnomAD 0.00001; gnomAD exomes 0.00002; ExAC 0.00003; TOPMed 0.00003.
gnomAD v4.1: 37 of 1,613,796 alleles (0.0023%); highest among the groups gnomAD compares: Non-Finnish European, 0.003%; no homozygotes.

Submissions (2):

Ambry Genetics
Classification: Uncertain significance for Inborn genetic diseases. Last evaluated: 2024-11-24. Review status: criteria provided, single submitter. Criteria: Ambry Variant Classification Scheme 2023. Collection method: clinical testing. Allele origin: germline.

Labcorp Genetics (formerly Invitae), Labcorp
Classification: Uncertain significance. Last evaluated: 2021-08-28. Review status: criteria provided, single submitter. Criteria: Invitae Variant Classification Sherloc (09022015). Collection method: clinical testing. Allele origin: germline.
Comment: This sequence change replaces proline with threonine at codon 2182 of the PCLO protein (p.Pro2182Thr). The proline residue is moderately conserved and there is a small physicochemical difference between proline and threonine. This variant is present in population databases (rs763720952, ExAC 0.006%). This variant has not been reported in the literature in individuals affected with PCLO-related conditions. Algorithms developed to predict the effect of missense changes on protein structure and function are either unavailable or do not agree on the potential impact of this missense change (SIFT: "Tolerated"; PolyPhen-2: "Not Available"; Align-GVGD: "Class C0"). In summary, the available evidence is currently insufficient to determine the role of this variant in disease. Therefore, it has been classified as a Variant of Uncertain Significance.